The following is an entry in ClinVar:

ClinVar aggregate classification (germline): Uncertain significance (1 of 4 stars; one submission).

Conditions:
Charcot-Marie-Tooth disease axonal type 2O. Also called: CHARCOT-MARIE-TOOTH NEUROPATHY, AXONAL, TYPE 2O; CHARCOT-MARIE-TOOTH DISEASE, AXONAL, AUTOSOMAL DOMINANT, TYPE 2O; Charcot-Marie-Tooth Neuropathy Type 2O; Charcot-Marie-Tooth disease, axonal, type 20. Identifiers: Orphanet 284232, MedGen C3280220, MONDO:0013644, OMIM 614228.

gnomAD v4.1: 2 of 1,614,042 alleles (0.00012%); highest among the groups gnomAD compares: Non-Finnish European, 0.00017%; no homozygotes.

Submission:

Labcorp Genetics (formerly Invitae), Labcorp
Classification: Uncertain significance for Charcot-Marie-Tooth disease axonal type 2O. Last evaluated: 2021-10-11. Review status: criteria provided, single submitter. Criteria: Invitae Variant Classification Sherloc (09022015). Collection method: clinical testing. Allele origin: germline.
Comment: In summary, the available evidence is currently insufficient to determine the role of this variant in disease. Therefore, it has been classified as a Variant of Uncertain Significance. Nucleotide substitutions within the consensus splice site are a relatively common cause of aberrant splicing (PMID: 17576681, 9536098). Algorithms developed to predict the effect of sequence changes on RNA splicing suggest that this variant is not likely to affect RNA splicing, but this prediction has not been confirmed by published transcriptional studies. This variant has not been reported in the literature in individuals with DYNC1H1-related conditions. This variant is not present in population databases (ExAC no frequency). This sequence change falls in intron 64 of the DYNC1H1 gene. It does not directly change the encoded amino acid sequence of the DYNC1H1 protein. It affects a nucleotide within the consensus splice site of the intron.

Literature cited by the submitters: PubMed 17576681; PubMed 9536098.

NM_001376.5(DYNC1H1):c.11942-3C>T

Gene: DYNC1H1 (dynein cytoplasmic 1 heavy chain 1; plus strand). Cytogenetic location: 14q32.31.
Variant type: single nucleotide variant.
Coding change: c.11942-3C>T on transcript NM_001376.5 (MANE Select); 3 bases into the intron before coding-DNA position 11942, C replaced by T.
Molecular consequence: intron variant.
Genome position (GRCh38, 1-based): chr14:102,041,571, C>T. VCF-style: chr14-102041571-C-T. GRCh37 (hg19) VCF-style: chr14-102507908-C-T.
Identifiers: ClinVar variation 1463581 (VCV001463581.6), dbSNP rs2152596249, ClinGen allele CA2573150400.